The following is an entry in ClinVar:

ClinVar aggregate classification (germline): Uncertain significance. Review status: criteria provided, multiple submitters, no conflicts (2 of 4 stars). 6 submissions from 6 submitters: Uncertain significance (5). 1 of the submissions does not count toward it. Last evaluated 2026-05-29.

Conditions:
PKHD1-related disorder. Also called: PKHD1-related condition.
Polycystic kidney disease 4 (PKD4). Also called: POLYCYSTIC KIDNEY DISEASE 4 WITH OR WITHOUT POLYCYSTIC LIVER DISEASE; Autosomal Recessive Polycystic Kidney Disease – PKHD1; POLYCYSTIC KIDNEY AND HEPATIC DISEASE 1; POLYCYSTIC KIDNEY DISEASE, INFANTILE, TYPE I; PKD3. Identifiers: MedGen C4540575, MONDO:0033004, OMIM 263200.
Inborn genetic diseases. Identifiers: MedGen C0950123, MeSH D030342.
Autosomal recessive polycystic kidney disease (ARPKD). Also called: AR polycystic kidney disease. Identifiers: Orphanet 731, Orphanet 8378, MedGen C0085548, MeSH D017044, MONDO:0009889.

Allele frequency attached by ClinVar (database versions not stated): gnomAD 0.00003; TOPMed 0.00006; ESP Exome Variant Server 0.00015.
gnomAD v4.1: 40 of 1,613,998 alleles (0.0025%); highest among the groups gnomAD compares: African/African-American, 0.0053%; no homozygotes.

Submissions (6):

PreventionGenetics, part of Exact Sciences
Classification: Uncertain significance for PKHD1-related condition. Last evaluated: 2026-05-29. Review status: criteria provided, single submitter. Criteria: ACMG Guidelines, 2015. Collection method: clinical testing. Allele origin: germline.
Comment: The PKHD1 c.1462C>T variant is predicted to result in the amino acid substitution p.Arg488Trp. To our knowledge, this variant has not been reported in the literature. This variant is reported in 0.0056% of alleles in individuals of Latino descent in gnomAD. At this time, the clinical significance of this variant is uncertain due to the absence of conclusive functional and genetic evidence.

Blueprint Genetics
Classification: Uncertain significance. Last evaluated: 2024-07-16. Review status: criteria provided, single submitter. Criteria: ACMG Guidelines, 2015. Collection method: clinical testing. Allele origin: germline.

Ambry Genetics
Classification: Uncertain significance for Inborn genetic diseases. Last evaluated: 2023-01-26. Review status: criteria provided, single submitter. Criteria: Ambry Variant Classification Scheme 2023. Collection method: clinical testing. Allele origin: germline.

Fulgent Genetics
Classification: Uncertain significance for Polycystic kidney disease 4. Last evaluated: 2021-12-22. Review status: criteria provided, single submitter. Criteria: ACMG Guidelines, 2015. Collection method: clinical testing. Allele origin: unknown.

Labcorp Genetics (formerly Invitae), Labcorp
Classification: Uncertain significance for Autosomal recessive polycystic kidney disease. Last evaluated: 2021-08-24. Review status: criteria provided, single submitter. Criteria: Invitae Variant Classification Sherloc (09022015). Collection method: clinical testing. Allele origin: germline.
Comment: This sequence change replaces arginine with tryptophan at codon 488 of the PKHD1 protein (p.Arg488Trp). The arginine residue is moderately conserved and there is a moderate physicochemical difference between arginine and tryptophan. This variant is present in population databases (rs139770251, ExAC 0.001%). This variant has not been reported in the literature in individuals affected with PKHD1-related conditions. Algorithms developed to predict the effect of missense changes on protein structure and function are either unavailable or do not agree on the potential impact of this missense change (SIFT: "Deleterious"; PolyPhen-2: "Possibly Damaging"; Align-GVGD: "Class C0"). In summary, the available evidence is currently insufficient to determine the role of this variant in disease. Therefore, it has been classified as a Variant of Uncertain Significance.

Natera, Inc.
Classification: Uncertain significance for Autosomal recessive polycystic kidney disease. Last evaluated: 2018-10-09. Review status: no assertion criteria provided. Collection method: clinical testing. Allele origin: germline. Not counted in ClinVar's aggregate classification.

NM_138694.4(PKHD1):c.1462C>T (p.Arg488Trp)

Gene: PKHD1 (PKHD1 ciliary IPT domain containing fibrocystin/polyductin; minus strand). Cytogenetic location: 6p12.2.
Variant type: single nucleotide variant.
Coding change: c.1462C>T on transcript NM_138694.4 (MANE Select); coding-DNA position 1462, C replaced by T.
Protein change: p.Arg488Trp; replaces arginine 488 with tryptophan.
Molecular consequence: missense variant.
Genome position (GRCh38, 1-based): chr6:52,058,373, G>A on the plus strand (C>T on the coding strand, the complement: PKHD1 is on the minus strand). VCF-style: chr6-52058373-G-A. GRCh37 (hg19) VCF-style: chr6-51923171-G-A.
Other names: c.1462C>T, p.Arg488Trp (NM_170724.3); short protein forms R488W.
Identifiers: ClinVar variation 643223 (VCV000643223.12), dbSNP rs139770251, ClinGen allele CA3853556.